The following is an entry in ClinVar:

ClinVar aggregate classification (germline): Benign/Likely benign. Review status: criteria provided, multiple submitters, no conflicts (2 of 4 stars). 4 submissions from 2 submitters: Benign (3); Likely benign (1). Last evaluated 2018-01-13.

Conditions:
Polydactyly. Also called: polydactylism. Identifiers: MedGen C0152427, MONDO:0021003, OMIM 603596, HP:0010442.
Pallister-Hall syndrome (PHS). Also called: GLI3-Related Pallister-Hall Syndrome; HYPOTHALAMIC HAMARTOBLASTOMA, HYPOPITUITARISM, IMPERFORATE ANUS, AND POSTAXIAL POLYDACTYLY. Identifiers: Orphanet 672, MedGen C0265220, MONDO:0007804, OMIM 146510.
Greig cephalopolysyndactyly syndrome (GCPS). Also called: GLI3-Related Greig Cephalopolysyndactyly Syndrome; POLYSYNDACTYLY WITH PECULIAR SKULL SHAPE; Greig syndrome. Identifiers: Orphanet 380, MedGen C0265306, MONDO:0008287, OMIM 175700.

Allele frequency attached by ClinVar (database versions not stated): gnomAD 0.00011 and 0.00025; gnomAD exomes 0.00023 and 0.00050; TOPMed 0.00028; ExAC 0.00057; 1000 Genomes Project 30x 0.00141; 1000 Genomes Project 0.00180.
gnomAD v4.1: 365 of 1,613,156 alleles (0.023%); highest among the groups gnomAD compares: East Asian, 0.73%; 1 homozygote.

Submissions (4):

Illumina Laboratory Services, Illumina
Classification: Benign for Pallister-Hall syndrome. Last evaluated: 2018-01-13. Review status: criteria provided, single submitter. Criteria: ICSL Variant Classification Criteria 13 December 2019. Collection method: clinical testing. Allele origin: germline.
Comment: This variant was observed in the ICSL laboratory as part of a predisposition screen in an ostensibly healthy population. It had not been previously curated by ICSL or reported in the Human Gene Mutation Database (HGMD: prior to June 1st, 2018), and was therefore a candidate for classification through an automated scoring system. Utilizing variant allele frequency, disease prevalence and penetrance estimates, and inheritance mode, an automated score was calculated to assess if this variant is too frequent to cause the disease. Based on the score and internal cut-off values, a variant classified as benign is not then subjected to further curation. The score for this variant resulted in a classification of benign for this disease.

Illumina Laboratory Services, Illumina
Classification: Benign for Greig cephalopolysyndactyly syndrome. Last evaluated: 2018-01-13. Review status: criteria provided, single submitter. Criteria: ICSL Variant Classification Criteria 13 December 2019. Collection method: clinical testing. Allele origin: germline.
Comment: the same text as in the submission from Illumina Laboratory Services, Illumina above.

Illumina Laboratory Services, Illumina
Classification: Benign for Polydactyly. Last evaluated: 2018-01-13. Review status: criteria provided, single submitter. Criteria: ICSL Variant Classification Criteria 13 December 2019. Collection method: clinical testing. Allele origin: germline.
Comment: the same text as in the submission from Illumina Laboratory Services, Illumina above.

PreventionGenetics, part of Exact Sciences
Classification: Likely benign. Review status: criteria provided, single submitter. Criteria: ACMG Guidelines, 2015. Collection method: clinical testing. Allele origin: germline.

NM_000168.6(GLI3):c.*11A>G

Gene: GLI3 (GLI family zinc finger 3; minus strand). Cytogenetic location: 7p14.1.
Variant type: single nucleotide variant.
Coding change: c.*11A>G on transcript NM_000168.6 (MANE Select); 11 bases downstream of the stop codon, A replaced by G.
Molecular consequence: 3 prime UTR variant.
Genome position (GRCh38, 1-based): chr7:41,964,319, T>C on the plus strand (A>G on the coding strand, the complement: GLI3 is on the minus strand). VCF-style: chr7-41964319-T-C. GRCh37 (hg19) VCF-style: chr7-42003917-T-C.
Identifiers: ClinVar variation 255411 (VCV000255411.6), dbSNP rs139896177, ClinGen allele CA4230056.